The following is an entry in ClinVar:

NM_181458.4(PAX3):c.363C>A (p.Tyr121Ter)

Gene: PAX3 (paired box 3; minus strand). Cytogenetic location: 2q36.1.
Variant type: single nucleotide variant.
Coding change: c.363C>A on transcript NM_181458.4 (MANE Select); coding-DNA position 363, C replaced by A.
Protein change: p.Tyr121Ter; replaces tyrosine 121 with a stop codon.
Molecular consequence: nonsense.
Genome position (GRCh38, 1-based): chr2:222,295,616, G>T on the plus strand (C>A on the coding strand, the complement: PAX3 is on the minus strand). VCF-style: chr2-222295616-G-T. GRCh37 (hg19) VCF-style: chr2-223160335-G-T.
Other names: c.363C>A, p.Tyr121Ter (NM_000438.6, NM_013942.5, NM_181457.4 and 3 more transcripts); c.360C>A, p.Tyr120Ter (NM_001127366.3); short protein forms Y120*, Y121*.
Identifiers: ClinVar variation 4852196 (VCV004852196.1).
Genomic context (GRCh38, chr2:222,295,616, plus strand): 5'-CGCGTCCTTGAGTAATTTGTCTCGGATTTCCCAGCTGAACATGCCCGGGTTCTCTCTTTT[G>T]TATTCCTCAATTTTCTTCTCCACGTCAGGCGTTGTCACCTGCTTTAAGAGAACAGGCGGG-3'

ClinVar aggregate classification (germline): Likely pathogenic (1 of 4 stars; one submission).

Conditions:
Autosomal dominant PAX3-related disorders.

Submission:

Variantyx, Inc.
Classification: Likely pathogenic for Autosomal dominant PAX3-related disorders. Last evaluated: 2025-12-09. Review status: criteria provided, single submitter. Criteria: Variantyx Assertion Criteria 2022. Collection method: clinical testing. Allele origin: germline. Inheritance: Autosomal dominant inheritance. Affected: yes.
Comment: This is a nonsense variant in the PAX3 gene (OMIM: 606597). Pathogenic variants in this gene have been associated with autosomal dominant PAX3-related disorders. The alteration introduces a premature termination codon in exon 3 out of 9 and is expected to result in loss of function, which is a known disease mechanism for PAX3 in these disorders (PMID: 20127975, 23512835) (PVS1). This variant is absent from control populations (PM2)., and it has not been reported in individuals with PAX3-related disorders in the databases available for review. Based on the current evidence, this variant is classified as likely pathogenic for autosomal dominant PAX3-related disorders.

Literature cited by the submitters: PubMed 20127975; PubMed 23512835.